The following is an entry in ClinVar:

ClinVar aggregate classification (germline): Uncertain significance. Review status: criteria provided, multiple submitters, no conflicts (2 of 4 stars). 2 submissions from 2 submitters: Uncertain significance (2). Last evaluated 2025-10-22.

Conditions:
Hereditary cancer-predisposing syndrome. Also called: Neoplastic Syndromes, Hereditary; Tumor predisposition; Hereditary neoplastic syndrome; Hereditary Cancer Syndrome. Identifiers: Orphanet 140162, MedGen C0027672, MeSH D009386, MONDO:0015356.
Neuroblastoma, susceptibility to, 3. Also called: ALK-Related Neuroblastic Tumor Susceptibility. Identifiers: Orphanet 635, MedGen C2751681, MONDO:0013083, OMIM 613014.

Submissions (2):

Ambry Genetics
Classification: Uncertain significance for Hereditary cancer-predisposing syndrome. Last evaluated: 2025-10-22. Review status: criteria provided, single submitter. Criteria: Ambry Variant Classification Scheme 2023. Collection method: clinical testing. Allele origin: germline.
Comment: The p.L1555P variant (also known as c.4664T>C), located in coding exon 29 of the ALK gene, results from a T to C substitution at nucleotide position 4664. The leucine at codon 1555 is replaced by proline, an amino acid with similar properties. This amino acid position is conserved. In addition, this alteration is predicted to be tolerated by in silico analysis. Based on the available evidence, the clinical significance of this variant remains unclear.

Labcorp Genetics (formerly Invitae), Labcorp
Classification: Uncertain significance for Neuroblastoma, susceptibility to, 3. Last evaluated: 2024-05-20. Review status: criteria provided, single submitter. Criteria: Invitae Variant Classification Sherloc (09022015). Collection method: clinical testing. Allele origin: germline.
Comment: This sequence change replaces leucine, which is neutral and non-polar, with proline, which is neutral and non-polar, at codon 1555 of the ALK protein (p.Leu1555Pro). This variant is not present in population databases (gnomAD no frequency). This variant has not been reported in the literature in individuals affected with ALK-related conditions. An algorithm developed to predict the effect of missense changes on protein structure and function (PolyPhen-2) suggests that this variant is likely to be disruptive. In summary, the available evidence is currently insufficient to determine the role of this variant in disease. Therefore, it has been classified as a Variant of Uncertain Significance.

NM_004304.5(ALK):c.4664T>C (p.Leu1555Pro)

Gene: ALK (ALK receptor tyrosine kinase; minus strand). Cytogenetic location: 2p23.2.
Variant type: single nucleotide variant.
Coding change: c.4664T>C on transcript NM_004304.5 (MANE Select); coding-DNA position 4664, T replaced by C.
Protein change: p.Leu1555Pro; replaces leucine 1555 with proline.
Molecular consequence: missense variant.
Genome position (GRCh38, 1-based): chr2:29,193,423, A>G on the plus strand (T>C on the coding strand, the complement: ALK is on the minus strand). VCF-style: chr2-29193423-A-G. GRCh37 (hg19) VCF-style: chr2-29416289-A-G.
Other names: c.1460T>C, p.Leu487Pro (NM_001353765.2); c.4664T>C (NM_004304.4); short protein forms L1555P, L487P.
Identifiers: ClinVar variation 2895295 (VCV002895295.4), dbSNP rs2148137584, ClinGen allele CA346460501.